The following is an entry in ClinVar:

ClinVar aggregate classification (germline): Likely pathogenic. Review status: reviewed by expert panel (3 of 4 stars). 11 submissions from 11 submitters: Likely pathogenic (1). 10 of the submissions do not count toward it. Last evaluated 2025-08-01.

Conditions:
Malignant hyperthermia, susceptibility to, 1 (MHS1). Also called: Anesthesia related hyperthermia; Malignant hyperpyrexia; Fulminating hyperpyrexia; Pharmacogenic myopathy; Malignant hyperthermia suceptibility 1; RYR1-Related Malignant Hyperthermia Susceptibility. Identifiers: Orphanet 423, MedGen C2930980, MONDO:0007783, OMIM 145600.
RYR1-related disorder. Also called: RYR1-related condition; RYR1-related disorders. Identifiers: MedGen CN239331.
Malignant hyperthermia of anesthesia. Also called: Anesthesic-triggered malignant hyperthermia. Identifiers: Orphanet 423, MedGen C0024591, MONDO:0018493, HP:0034733.

Allele frequency attached by ClinVar (database versions not stated): gnomAD 0.00001; gnomAD exomes 0.00001; TOPMed 0.00001.
gnomAD v4.1: 14 of 1,600,030 alleles (0.00087%); highest among the groups gnomAD compares: South Asian, 0.0022%; no homozygotes.

Submissions 1 to 8 of 11:

ClinGen Malignant Hyperthermia Susceptibility Variant Curation Expert Panel, ClinGen
Classification: Likely pathogenic for Malignant hyperthermia, susceptibility to, 1. Last evaluated: 2025-08-01. Review status: reviewed by expert panel. Criteria: ClinGen MHS ACMG Specifications V2. Collection method: curation. Allele origin: germline. Inheritance: Autosomal dominant inheritance. Study: ClinGen.
Comment: This pathogenicity assessment is relevant only for malignant hyperthermia susceptibility (MHS) inherited in an autosomal dominant pattern. Variants in RYR1 can also cause other myopathies inherited in an autosomal dominant pattern or in an autosomal recessive pattern. Some of these disorders may predispose individuals to malignant hyperthermia. RYR1 variants may also contribute to a malignant hyperthermia reaction in combination with other genetic and non-genetic factors and the clinician needs to consider such factors in making management decisions. This sequence variant predicts a substitution of arginine with glutamine at codon 2359 of the RYR1 protein, p.(Arg2359Gln). The maximum allele frequency for this variant among the six major gnomAD populations is NFE: 0.00001, a frequency consistent with pathogenicity for MHS. This variant has been reported in two unrelated individuals who have a personal or family history of a malignant hyperthermia reaction, two of these individuals had a positive in vitro contracture test (IVCT) or caffeine halothane contracture test (CHCT) result (if the proband was unavailable for testing, a positive diagnostic test result in a mutation-positive relative was counted), PS4_Moderate (PMID:24433488, PMID:30236257). No functional studies were identified for this variant. This variant resides in a region of RYR1 considered to be a hotspot for pathogenic variants that contribute to MHS, PM1 (PMID: 21118704). A REVEL score >0.85 (0.873) supports a pathogenic status for this variant, PP3_Moderate. This variant has been classified as Likely Pathogenic. Criteria implemented: PS4_Moderate, PM1, PP3_Moderate.¬†

Variantyx, Inc.
Classification: Likely pathogenic for Malignant hyperthermia, susceptibility to, 1. Last evaluated: 2026-01-22. Review status: criteria provided, single submitter. Criteria: Variantyx Assertion Criteria 2022. Collection method: clinical testing. Allele origin: germline. Inheritance: Autosomal dominant inheritance. Affected: yes. Not counted in ClinVar's aggregate classification.
Comment: This is a nonsynonymous variant in the RYR1 gene (OMIM: 180901). Pathogenic variants in this gene have been associated with autosomal dominant susceptibility to malignant hyperthermia 1. This variant has been reported in at least 2 unrelated affected individuals (PMID: 24433488, 30236257) (PS4_Moderate). Multiple computational algorithms predict a deleterious effect for this variant (REVEL score: 0.873) (PP3), and the variant lies within a known hotspot for pathogenic variants or a well-established critical functional domain of the RYR1 protein (PMID: 21118704) (PM1). It has a 0.0022% maximum allele frequency in non-founder control populations. Other reputable laboratories have reported this variant as pathogenic or likely pathogenic, and this classification has been validated by an expert panel in ClinVar. Based on the current evidence, this variant is classified as likely pathogenic for autosomal dominant susceptibility to malignant hyperthermia 1.

GeneDx
Classification: Likely pathogenic. Last evaluated: 2025-08-31. Review status: criteria provided, single submitter. Criteria: GeneDx Variant Classification Process June 2021. Collection method: clinical testing. Allele origin: germline. Affected: yes. Not counted in ClinVar's aggregate classification.
Comment: Identified in a patient with exertional rhabdomyolysis and a family history of muscle cramps in the published literature; however, the variant did not segregate in all affected family members (PMID: 37781817); Observed with a second RYR1 variant, phase unknown, in a patient with metabolic myopathy in published literature (PMID: 32153140); Not observed at significant frequency in large population cohorts (gnomAD); In silico analysis supports that this missense variant has a deleterious effect on protein structure/function; This variant is associated with the following publications: (PMID: 24433488, 30236257, 37781817, 39745345, 12668474, 33767344, 32153140)

Women's Health and Genetics/Laboratory Corporation of America, LabCorp
Classification: Likely pathogenic for Malignant hyperthermia of anesthesia. Last evaluated: 2025-06-23. Review status: criteria provided, single submitter. Criteria: LabCorp Variant Classification Summary - May 2015. Collection method: clinical testing. Allele origin: germline. Not counted in ClinVar's aggregate classification.
Comment: Variant summary: RYR1 c.7076G>A (p.Arg2359Gln) results in a conservative amino acid change located in the RIH domain (IPR000699) of the encoded protein sequence. Algorithms developed to predict the effect of missense changes on protein structure and function are either unavailable or do not agree on the potential impact of this missense change. The variant allele was found at a frequency of 8.4e-06 in 239250 control chromosomes. c.7076G>A has been observed in individual(s) affected with Malignant Hyperthermia Susceptibility (Klingler__2014,Miller_2018, Internal data) and exertional myalgia/rhabdomyolysis (Silva_2023). These data indicate that the variant is likely to be associated with disease. To our knowledge, no experimental evidence demonstrating an impact on protein function has been reported. The following publications have been ascertained in the context of this evaluation (PMID: 24433488, 30236257, 37781817, 32153140). ClinVar contains an entry for this variant (Variation ID: 573252). Based on the evidence outlined above, the variant was classified as likely pathogenic.

Labcorp Genetics (formerly Invitae), Labcorp
Classification: Likely pathogenic for RYR1-related disorder. Last evaluated: 2025-05-26. Review status: criteria provided, single submitter. Criteria: Invitae Variant Classification Sherloc (09022015). Collection method: clinical testing. Allele origin: germline. Not counted in ClinVar's aggregate classification.
Comment: This sequence change replaces arginine, which is basic and polar, with glutamine, which is neutral and polar, at codon 2359 of the RYR1 protein (p.Arg2359Gln). The frequency data for this variant in the population databases is considered unreliable, as metrics indicate poor data quality at this position in the gnomAD database. This missense change has been observed in individual(s) with autosomal dominant RYR1-related condition (PMID: 24433488, 30236257; internal data). ClinVar contains an entry for this variant (Variation ID: 573252). Invitae Evidence Modeling of protein sequence and biophysical properties (such as structural, functional, and spatial information, amino acid conservation, physicochemical variation, residue mobility, and thermodynamic stability) indicates that this missense variant is expected to disrupt RYR1 protein function with a positive predictive value of 80%. In summary, the currently available evidence indicates that the variant is pathogenic, but additional data are needed to prove that conclusively. Therefore, this variant has been classified as Likely Pathogenic.

All of Us Research Program, National Institutes of Health
Classification: Likely pathogenic for Malignant hyperthermia, susceptibility to, 1. Last evaluated: 2024-09-27. Review status: criteria provided, single submitter. Criteria: ACMG Guidelines, 2015. Collection method: clinical testing. Allele origin: germline. Inheritance: Autosomal dominant inheritance. Observed: 5 variant alleles, 5 heterozygotes. Not counted in ClinVar's aggregate classification.
Comment: The c.7076G>A (p.Arg2359Gln) variant, located on the exon 44 of the RYR1 gene, replaces arginine with glutamine at codon 2359 of the RYR1 protein (p.Arg2359Gln). This missense change has been observed in two unrelated individuals with personal or family histories of a malignant hyperthermia susceptibility (MHS), positive in vitro contracture test (IVCT) or caffeine halothane contracture test (CHCT) (PMID:24433488, 30236257). This missense variant is in a mutational hot spot region that contributes to MHS (PMID: 21118704). Computational prediction (REVEL >0.85) suggests that this variant may have deleterious impact on protein structure and function. This variant has been classified as likely pathogenic by the expert review panel in ClinVar (ID: 573252). This variant is rare (14/1600030 chromosomes) in the general population database, gnomAD (v4.1.0). For these reasons, the c.7076G>A (p.Arg2359Gln) variant in the RYR1 gene is classified as likely pathogenic.

This study involves interpretation of variants in research participants for the purpose of population health screening. Participant phenotype was not available at the time of variant classification. Additional details can be found in publication PMID: 35346344, PMCID: PMC8962531

Blueprint Genetics
Classification: Likely pathogenic for RYR1-related disorders. Last evaluated: 2024-09-04. Review status: criteria provided, single submitter. Criteria: ACMG Guidelines, 2015. Collection method: clinical testing. Allele origin: germline. Affected: yes. Observed: 2 variant alleles. Not counted in ClinVar's aggregate classification.

Revvity Omics, Revvity
Classification: Likely pathogenic. Last evaluated: 2024-04-19. Review status: criteria provided, single submitter. Criteria: ACMG Guidelines, 2015. Collection method: clinical testing. Allele origin: germline. Not counted in ClinVar's aggregate classification.

NM_000540.3(RYR1):c.7076G>A (p.Arg2359Gln)

Gene: RYR1 (ryanodine receptor 1; plus strand). Cytogenetic location: 19q13.2.
Variant type: single nucleotide variant.
Coding change: c.7076G>A on transcript NM_000540.3 (MANE Select); coding-DNA position 7076, G replaced by A.
Protein change: p.Arg2359Gln; replaces arginine 2359 with glutamine.
Molecular consequence: missense variant.
Genome position (GRCh38, 1-based): chr19:38,499,683, G>A. VCF-style: chr19-38499683-G-A. GRCh37 (hg19) VCF-style: chr19-38990323-G-A.
Other names: NM_000540.2(RYR1):c.7076G>A; p.Arg2359Gln; c.7076G>A, p.Arg2359Gln (NM_001042723.2); short protein forms R2359Q.
Identifiers: ClinVar variation 573252 (VCV000573252.27), dbSNP rs1387126664, ClinGen allele CA405667952.